The following is an entry in ClinVar:

NM_000540.3(RYR1):c.6856C>G (p.Leu2286Val)

Gene: RYR1 (ryanodine receptor 1; plus strand). Cytogenetic location: 19q13.2.
Variant type: single nucleotide variant.
Coding change: c.6856C>G on transcript NM_000540.3 (MANE Select); coding-DNA position 6856, C replaced by G.
Protein change: p.Leu2286Val; replaces leucine 2286 with valine.
Molecular consequence: missense variant.
Genome position (GRCh38, 1-based): chr19:38,496,919, C>G. VCF-style: chr19-38496919-C-G. GRCh37 (hg19) VCF-style: chr19-38987559-C-G.
Other names: c.6856C>G, p.Leu2286Val (NM_001042723.2); short protein forms L2286V.
Identifiers: ClinVar variation 1980358 (VCV001980358.6), dbSNP rs369610397, ClinGen allele CA405666573.

ClinVar aggregate classification (germline): Likely pathogenic. Review status: criteria provided, multiple submitters, no conflicts (2 of 4 stars). 3 submissions from 3 submitters: Likely pathogenic (3). Last evaluated 2026-05-26.

Conditions:
Central core myopathy (CMYO1A). Also called: CONGENITAL MYOPATHY 1A, AUTOSOMAL DOMINANT, WITH SUSCEPTIBILITY TO MALIGNANT HYPERTHERMIA; Central core disease; Myopathy, central fibrillar. Identifiers: Orphanet 597, MedGen C5830701, MONDO:0007294, OMIM 117000.
RYR1-related disorder. Also called: RYR1-related condition; RYR1-related disorders. Identifiers: MedGen CN239331.
Isolated asymptomatic elevation of creatine phosphokinase. Identifiers: Orphanet 206599, MedGen C4751434, MONDO:0016103.

gnomAD v4.1: 1 of 1,613,596 alleles (0.000062%); highest among the groups gnomAD compares: Non-Finnish European, 0.000085%; no homozygotes.

Submissions (3):

Institute of Medical Genetics and Applied Genomics, University Hospital Tübingen
Classification: Likely pathogenic for Isolated asymptomatic elevation of creatine phosphokinase. Last evaluated: 2026-05-26. Review status: criteria provided, single submitter. Criteria: ACMG Guidelines, 2015. Collection method: clinical testing. Allele origin: germline. Inheritance: Autosomal dominant inheritance. Affected: yes.

Genetics Department, Hospital De La Santa Creu I Sant Pau
Classification: Likely pathogenic for Central core myopathy. Last evaluated: 2024-11-13. Review status: criteria provided, single submitter. Criteria: ACMG Guidelines, 2015. Collection method: clinical testing. Allele origin: germline. Affected: yes. Observed: 17 variant alleles.
Comment: This variant was identified in the heterozygous state in seven families. The most prevalent features in these patients were exertional myalgia, high CK levels, cramps and muscle hypertrophy. Further details are described in Segarra-Casas et al, 2025 (DOI: 10.1111/ene.16471). Criteria applied: PM1, PM, PM3, PP1_supporting, PP3 (Richards et al, 2015)

Labcorp Genetics (formerly Invitae), Labcorp
Classification: Likely pathogenic for RYR1-related disorder. Last evaluated: 2024-10-02. Review status: criteria provided, single submitter. Criteria: Invitae Variant Classification Sherloc (09022015). Collection method: clinical testing. Allele origin: germline.
Comment: This sequence change replaces leucine, which is neutral and non-polar, with valine, which is neutral and non-polar, at codon 2286 of the RYR1 protein (p.Leu2286Val). This variant is not present in population databases (gnomAD no frequency). This missense change has been observed in individual(s) with myopathy, including autosomal recessive congenital myopathy (PMID: 32403337, 32528171; internal data). In at least one individual the data is consistent with being in trans (on the opposite chromosome) from a pathogenic variant. ClinVar contains an entry for this variant (Variation ID: 1980358). Invitae Evidence Modeling of protein sequence and biophysical properties (such as structural, functional, and spatial information, amino acid conservation, physicochemical variation, residue mobility, and thermodynamic stability) has been performed for this missense variant. However, the output from this modeling did not meet the statistical confidence thresholds required to predict the impact of this variant on RYR1 protein function. In summary, the currently available evidence indicates that the variant is pathogenic, but additional data are needed to prove that conclusively. Therefore, this variant has been classified as Likely Pathogenic.

Literature cited by the submitters: PubMed 32403337 (cited by Labcorp Genetics (formerly Invitae), Labcorp); PubMed 32528171 (cited by Labcorp Genetics (formerly Invitae), Labcorp).